The following is an entry in ClinVar:

ClinVar aggregate classification (germline): Uncertain significance (1 of 4 stars; one submission).

Submission:

GeneDx
Classification: Uncertain significance. Last evaluated: 2019-05-15. Review status: criteria provided, single submitter. Criteria: GeneDx Variant Classification Process June 2021. Collection method: clinical testing. Allele origin: germline. Affected: yes.
Comment: Not observed in large population cohorts (Lek et al., 2016); In silico analysis, which includes splice predictors and evolutionary conservation, supports a deleterious effect; Has not been previously published as pathogenic or benign to our knowledge

NM_001379110.1(SLC9A6):c.525-13_525-10del

Gene: SLC9A6 (solute carrier family 9 member A6; plus strand). Cytogenetic location: Xq26.3.
Variant type: Deletion.
Coding change: c.525-13_525-10del on transcript NM_001379110.1 (MANE Select); 13 bases into the intron before coding-DNA position 525 through 10 bases into the intron before coding-DNA position 525, 4 bases deleted (GTTT; older notation c.525-13_525-10delGTTT).
Molecular consequence: intron variant.
Genome position (GRCh38, 1-based): chrX:135,998,843-135,998,846, GTTT deleted; deleting any 4 consecutive bases within chrX:135,998,842-135,998,846 gives the same sequence; the c. name uses the placement nearest the transcript's 3' end. VCF-style (leftmost placement, unchanged base first): chrX-135998841-GTGTT-G. GRCh37 (hg19) VCF-style: chrX-135081000-GTGTT-G.
Other names: c.681-13_681-10del (NM_001042537.2); c.585-13_585-10del (NM_006359.3); c.525-13_525-10del (NM_001177651.2); c.429-13_429-10del (NM_001330652.2).
Identifiers: ClinVar variation 1305836 (VCV001305836.2), dbSNP rs2148151047, ClinGen allele CA2573055116.